The following is an entry in ClinVar:

NM_021913.5(AXL):c.792G>A (p.Leu264=)

Gene: AXL (AXL receptor tyrosine kinase; plus strand). Cytogenetic location: 19q13.2.
Variant type: single nucleotide variant.
Coding change: c.792G>A on transcript NM_021913.5 (MANE Select); coding-DNA position 792, G replaced by A.
Protein change: p.Leu264=; no amino-acid change (leucine 264 retained).
Molecular consequence: synonymous variant. On other transcripts: 5 prime UTR variant (1).
Genome position (GRCh38, 1-based): chr19:41,237,952, G>A. VCF-style: chr19-41237952-G-A. GRCh37 (hg19) VCF-style: chr19-41743857-G-A.
Other names: c.-13G>A (NM_001278599.2); c.792G>A, p.Leu264= (NM_001699.6).
Identifiers: ClinVar variation 3050773 (VCV003050773.2), dbSNP rs775032851, ClinGen allele CA9458080.
Genomic context (GRCh38, chr19:41,237,952, plus strand): 5'-ATCTCGTGTGATTGCTTGGCTGTCCCGTCCTCACACCCTTGCCTCTCCTCAGGCTGTGCT[G>A]TCAGACGATGGGATGGGCATCCAGGCGGGAGAACCAGACCCCCCAGAGGAGCCCCTCACC-3'
Protein context (NP_068713.2, residues 254-274): PLTHCTLQAV[Leu264=]SDDGMGIQAG

ClinVar aggregate classification (germline): Likely benign (0 of 4 stars; one submission).

Conditions:
AXL-related disorder. Also called: AXL-related condition.

Allele frequency attached by ClinVar (database versions not stated): gnomAD exomes below 0.00001; TOPMed below 0.00001; ExAC 0.00001.
gnomAD v4.1: 4 of 1,613,862 alleles (0.00025%); highest among the groups gnomAD compares: Non-Finnish European, 0.00017%; no homozygotes.

Submission:

PreventionGenetics, part of Exact Sciences
Classification: Likely benign for AXL-related condition. Last evaluated: 2019-07-16. Review status: no assertion criteria provided. Collection method: clinical testing. Allele origin: germline.
Comment: This variant is classified as likely benign based on ACMG/AMP sequence variant interpretation guidelines (Richards et al. 2015 PMID: 25741868, with internal and published modifications).